The following is an entry in ClinVar:

ClinVar aggregate classification (germline): Pathogenic (1 of 4 stars; one submission).

Conditions:
Arrhythmogenic right ventricular dysplasia 9 (ARVD9). Also called: Arrhythmogenic Right Ventricular Dysplasia/Cardiomyopathy 9; ARRHYTHMOGENIC RIGHT VENTRICULAR DYSPLASIA, FAMILIAL, 9. Identifiers: MedGen C1836906, MONDO:0012180, OMIM 609040.

Submission:

Labcorp Genetics (formerly Invitae), Labcorp
Classification: Pathogenic for Arrhythmogenic right ventricular dysplasia 9. Last evaluated: 2018-08-03. Review status: criteria provided, single submitter. Criteria: Invitae Variant Classification Sherloc (09022015). Collection method: clinical testing. Allele origin: germline.
Comment: For these reasons, this variant has been classified as Pathogenic. Loss-of-function variants in PKP2 are known to be pathogenic (PMID: 15489853, 23911551). This variant has not been reported in the literature in individuals with PKP2-related disease. This variant is not present in population databases (ExAC no frequency). This sequence change creates a premature translational stop signal (p.Ala523Serfs*18) in the PKP2 gene. It is expected to result in an absent or disrupted protein product.

Literature cited by the submitters: PubMed 15489853; PubMed 23911551.

NM_001005242.3(PKP2):c.1434dup (p.Ala479fs)

Gene: PKP2 (plakophilin 2; minus strand). Cytogenetic location: 12p11.21.
Variant type: Duplication.
Coding change: c.1434dup on transcript NM_001005242.3 (MANE Select); coding-DNA position 1434, one base duplicated (A; older notation c.1434dupA).
Protein change: p.Ala479fs; shifts the reading frame from alanine 479.
Molecular consequence: frameshift variant.
Genome position (GRCh38, 1-based): chr12:32,841,150, T duplicated on the plus strand (A on the coding strand, the reverse complement: PKP2 is on the minus strand); the first of 2 consecutive T bases (chr12:32,841,150-32,841,151); duplicating either gives the same sequence. VCF-style (leftmost placement, unchanged base first): chr12-32841149-C-CT. GRCh37 (hg19) VCF-style: chr12-32994083-C-CT.
Other names: c.1566dup, p.Ala523fs (NM_004572.4); c.1566dupA (NM_004572.3); short protein forms A479fs, A523fs.
Identifiers: ClinVar variation 580783 (VCV000580783.7), dbSNP rs1565586921, ClinGen allele CA891843477.